The following is an entry in ClinVar:

ClinVar aggregate classification (germline): Benign/Likely benign. Review status: criteria provided, multiple submitters, no conflicts (2 of 4 stars). 3 submissions from 3 submitters: Benign (1); Likely benign (2). Last evaluated 2026-05-21.

Conditions:
Neurofibromatosis, type 1 (NF1). Also called: VON RECKLINGHAUSEN DISEASE; NEUROFIBROMATOSIS, TYPE I, SOMATIC; Peripheral type neurofibromatosis; Neurofibromatosis, type I. Identifiers: Orphanet 636, MedGen C0027831, MONDO:0018975, OMIM 162200. Disease mechanism: loss of function.
NF1-related disorder. Also called: NF1-related condition. Identifiers: MedGen CN379171.

Allele frequency attached by ClinVar (database versions not stated): gnomAD exomes below 0.00001 and 0.00001; ExAC 0.00001; gnomAD 0.00004; TOPMed 0.00005.

Submissions (3):

Myriad Genetics, Inc.
Classification: Benign for Neurofibromatosis, type 1. Last evaluated: 2026-05-21. Review status: criteria provided, single submitter. Criteria: Myriad Autosomal Dominant, Autosomal Recessive and X-Linked Classification Criteria (2023). Collection method: clinical testing. Allele origin: unknown.
Comment: This variant is considered benign. This variant is intronic and is not expected to impact mRNA splicing.

Labcorp Genetics (formerly Invitae), Labcorp
Classification: Likely benign for Neurofibromatosis, type 1. Last evaluated: 2026-01-28. Review status: criteria provided, single submitter. Criteria: Invitae Variant Classification Sherloc (09022015). Collection method: clinical testing. Allele origin: germline.

PreventionGenetics, part of Exact Sciences
Classification: Likely benign for NF1-related condition. Last evaluated: 2025-08-12. Review status: criteria provided, single submitter. Criteria: ACMG Guidelines, 2015. Collection method: clinical testing. Allele origin: germline.
Comment: This variant is classified as likely benign based on ACMG/AMP sequence variant interpretation guidelines (Richards et al. 2015 PMID: 25741868, with internal and published modifications).

NM_001042492.3(NF1):c.6642+13A>C

Gene: NF1 (neurofibromin 1; plus strand). Cytogenetic location: 17q11.2.
Variant type: single nucleotide variant.
Coding change: c.6642+13A>C on transcript NM_001042492.3 (MANE Select); 13 bases into the intron after coding-DNA position 6642, A replaced by C.
Molecular consequence: intron variant.
Genome position (GRCh38, 1-based): chr17:31,337,595, A>C. VCF-style: chr17-31337595-A-C. GRCh37 (hg19) VCF-style: chr17-29664613-A-C.
Other names: c.6642+13A>C (NM_001042492.2); c.6579+13A>C (NM_000267.4).
Identifiers: ClinVar variation 1627819 (VCV001627819.10), dbSNP rs771917283, ClinGen allele CA8487377.